The following is an entry in ClinVar:

ClinVar aggregate classification (germline): Benign. Review status: criteria provided, multiple submitters, no conflicts (2 of 4 stars). 2 submissions from 2 submitters: Benign (2). Last evaluated 2018-01-13.

Conditions:
Renal hypomagnesemia 4. Also called: HYPOMAGNESEMIA, RENAL, NORMOCALCIURIC. Identifiers: Orphanet 34527, MedGen C2673648, MONDO:0012717, OMIM 611718.

Allele frequency attached by ClinVar (database versions not stated): gnomAD exomes 0.00313; gnomAD 0.02751 and 0.02943; 1000 Genomes Project 0.03035; TOPMed 0.03087; 1000 Genomes Project 30x 0.03186.
gnomAD v4.1: 4,176 of 161,506 alleles (2.6%); highest among the groups gnomAD compares: African/African-American, 9.2%; 200 homozygotes.

Submissions (2):

Illumina Laboratory Services, Illumina
Classification: Benign for Renal hypomagnesemia 4. Last evaluated: 2018-01-13. Review status: criteria provided, single submitter. Criteria: ICSL Variant Classification Criteria 13 December 2019. Collection method: clinical testing. Allele origin: germline.
Comment: This variant was observed in the ICSL laboratory as part of a predisposition screen in an ostensibly healthy population. It had not been previously curated by ICSL or reported in the Human Gene Mutation Database (HGMD: prior to June 1st, 2018), and was therefore a candidate for classification through an automated scoring system. Utilizing variant allele frequency, disease prevalence and penetrance estimates, and inheritance mode, an automated score was calculated to assess if this variant is too frequent to cause the disease. Based on the score and internal cut-off values, a variant classified as benign is not then subjected to further curation. The score for this variant resulted in a classification of benign for this disease.

Breakthrough Genomics
Classification: Benign. Review status: criteria provided, single submitter. Criteria: ACMG Guidelines, 2015. Collection method: not provided. Allele origin: germline. Inheritance: Autosomal recessive inheritance. Affected: yes.

NM_001963.6(EGF):c.*483C>T

Gene: EGF (epidermal growth factor; plus strand). Cytogenetic location: 4q25.
Variant type: single nucleotide variant.
Coding change: c.*483C>T on transcript NM_001963.6 (MANE Select); 483 bases downstream of the stop codon, C replaced by T.
Molecular consequence: 3 prime UTR variant.
Genome position (GRCh38, 1-based): chr4:110,011,938, C>T. VCF-style: chr4-110011938-C-T. GRCh37 (hg19) VCF-style: chr4-110933094-C-T.
Other names: c.*483C>T (NM_001178130.3, NM_001178131.3); c.*626C>T (NM_001357021.2).
Identifiers: ClinVar variation 347273 (VCV000347273.6), dbSNP rs11569146, ClinGen allele CA10617763.